The following is an entry in ClinVar:

ClinVar aggregate classification (germline): Uncertain significance (1 of 4 stars; one submission).

Conditions:
MEGF8-related Carpenter syndrome. Also called: Carpenter syndrome 2. Identifiers: Orphanet 65759, MedGen C3554247, MONDO:0013998, OMIM 614976.

Allele frequency attached by ClinVar (database versions not stated): TOPMed 0.00001; ExAC 0.00003.
gnomAD v4.1: 5 of 1,561,724 alleles (0.00032%); highest among the groups gnomAD compares: Admixed American, 0.0081%; no homozygotes.

Submission:

Labcorp Genetics (formerly Invitae), Labcorp
Classification: Uncertain significance for MEGF8-related Carpenter syndrome. Last evaluated: 2022-04-19. Review status: criteria provided, single submitter. Criteria: Invitae Variant Classification Sherloc (09022015). Collection method: clinical testing. Allele origin: germline.
Comment: This variant is present in population databases (rs778995883, gnomAD 0.02%). This sequence change replaces glutamic acid, which is acidic and polar, with lysine, which is basic and polar, at codon 58 of the MEGF8 protein (p.Glu58Lys). This variant has not been reported in the literature in individuals affected with MEGF8-related conditions. In summary, the available evidence is currently insufficient to determine the role of this variant in disease. Therefore, it has been classified as a Variant of Uncertain Significance. Algorithms developed to predict the effect of missense changes on protein structure and function are either unavailable or do not agree on the potential impact of this missense change (SIFT: "Deleterious"; PolyPhen-2: "Probably Damaging"; Align-GVGD: "Class C0").

NM_001271938.2(MEGF8):c.172G>A (p.Glu58Lys)

Gene: MEGF8 (multiple EGF like domains 8; plus strand). Cytogenetic location: 19q13.2.
Variant type: single nucleotide variant.
Coding change: c.172G>A on transcript NM_001271938.2 (MANE Select); coding-DNA position 172, G replaced by A.
Protein change: p.Glu58Lys; replaces glutamic acid 58 with lysine.
Molecular consequence: missense variant.
Genome position (GRCh38, 1-based): chr19:42,326,415, G>A. VCF-style: chr19-42326415-G-A. GRCh37 (hg19) VCF-style: chr19-42830567-G-A.
Other names: c.172G>A, p.Glu58Lys (NM_001410.3); short protein forms E58K.
Identifiers: ClinVar variation 1920402 (VCV001920402.5), dbSNP rs778995883, ClinGen allele CA9474073.